The following is an entry in ClinVar:

ClinVar aggregate classification (germline): Uncertain significance (1 of 4 stars; one submission).

Conditions:
Cardiovascular phenotype. Identifiers: MedGen CN230736.

Allele frequency attached by ClinVar (database versions not stated): gnomAD 0.00001; 1000 Genomes Project 30x 0.00016; 1000 Genomes Project 0.00020.
gnomAD v4.1: 1 of 1,612,920 alleles (0.000062%); highest among the groups gnomAD compares: East Asian, 0.0022%; no homozygotes.

Submission:

Ambry Genetics
Classification: Uncertain significance for Cardiovascular phenotype. Last evaluated: 2021-03-18. Review status: criteria provided, single submitter. Criteria: Ambry Variant Classification Scheme 2023. Collection method: clinical testing. Allele origin: germline.
Comment: The p.D542E variant (also known as c.1626C>G), located in coding exon 12 of the TRPM4 gene, results from a C to G substitution at nucleotide position 1626. The aspartic acid at codon 542 is replaced by glutamic acid, an amino acid with highly similar properties. This amino acid position is not well conserved in available vertebrate species, and glutamic acid is the reference amino acid in other vertebrate species. In addition, this alteration is predicted to be tolerated by in silico analysis. Since supporting evidence is limited at this time, the clinical significance of this alteration remains unclear.

NM_017636.4(TRPM4):c.1626C>G (p.Asp542Glu)

Gene: TRPM4 (transient receptor potential cation channel subfamily M member 4; plus strand). Cytogenetic location: 19q13.33.
Variant type: single nucleotide variant.
Coding change: c.1626C>G on transcript NM_017636.4 (MANE Select); coding-DNA position 1626, C replaced by G.
Protein change: p.Asp542Glu; replaces aspartic acid 542 with glutamic acid.
Molecular consequence: missense variant.
Genome position (GRCh38, 1-based): chr19:49,183,095, C>G. VCF-style: chr19-49183095-C-G. GRCh37 (hg19) VCF-style: chr19-49686352-C-G.
Other names: c.1626C>G, p.Asp542Glu (NM_001195227.2); c.1281C>G, p.Asp427Glu (NM_001321281.2); c.18C>G, p.Asp6Glu (NM_001321282.2); c.1104C>G, p.Asp368Glu (NM_001321283.2); c.564C>G, p.Asp188Glu (NM_001321285.2); short protein forms D542E, D188E, D6E, D368E, D427E.
Identifiers: ClinVar variation 1776696 (VCV001776696.2), dbSNP rs200865924, ClinGen allele CA309443475.